The following is an entry in ClinVar:

NM_000263.4(NAGLU):c.1172A>G (p.Tyr391Cys)

Gene: NAGLU (N-acetyl-alpha-glucosaminidase; plus strand). Cytogenetic location: 17q21.2.
Variant type: single nucleotide variant.
Coding change: c.1172A>G on transcript NM_000263.4 (MANE Select); coding-DNA position 1172, A replaced by G.
Protein change: p.Tyr391Cys; replaces tyrosine 391 with cysteine.
Molecular consequence: missense variant.
Genome position (GRCh38, 1-based): chr17:42,543,178, A>G. VCF-style: chr17-42543178-A-G. GRCh37 (hg19) VCF-style: chr17-40695196-A-G.
Other names: short protein forms Y391C.
Identifiers: ClinVar variation 2925621 (VCV002925621.7), dbSNP rs2510659057, ClinGen allele CA399601294.

ClinVar aggregate classification (germline): Conflicting classifications of pathogenicity. Review status: criteria provided, conflicting classifications (1 of 4 stars). 2 submissions from 2 submitters: Likely pathogenic (1); Uncertain significance (1). Last evaluated 2025-10-30.

Conditions:
Charcot-Marie-Tooth disease axonal type 2V. Also called: CHARCOT-MARIE-TOOTH NEUROPATHY, TYPE 2V; CHARCOT-MARIE-TOOTH DISEASE, AXONAL, AUTOSOMAL DOMINANT, TYPE 2V. Identifiers: Orphanet 447964, MedGen C5569050, MONDO:0014665, OMIM 616491.
Mucopolysaccharidosis, MPS-III-B (MPS3B). Also called: N-ACETYL-ALPHA-D-GLUCOSAMINIDASE DEFICIENCY; NAGLU DEFICIENCY; SANFILIPPO SYNDROME B; MPS III B; Mucopolysaccharidosis type IIIB (Sanfilippo B); MUCOPOLYSACCHARIDOSIS, TYPE IIIB. Identifiers: Orphanet 79270, MedGen C0086648, MONDO:0009656, OMIM 252920.

Allele frequency attached by ClinVar (database versions not stated): gnomAD exomes below 0.00001.
gnomAD v4.1: 1 of 1,614,188 alleles (0.000062%); highest among the groups gnomAD compares: Non-Finnish European, 0.000085%; no homozygotes.

Submissions (2):

Women's Health and Genetics/Laboratory Corporation of America, LabCorp
Classification: Uncertain significance. Last evaluated: 2025-10-30. Review status: criteria provided, single submitter. Criteria: LabCorp Variant Classification Summary - May 2015. Collection method: clinical testing. Allele origin: germline.
Comment: Variant summary: NAGLU c.1172A>G (p.Tyr391Cys) results in a non-conservative amino acid change located in the Alpha-N-acetylglucosaminidase (NAGLU) tim-barrel domain (IPR024733) of the encoded protein sequence. Algorithms developed to predict the effect of missense changes on protein structure and function all suggest that this variant is likely to be disruptive. The variant was absent in 251322 control chromosomes. The available data on variant occurrences in the general population are insufficient to allow any conclusion about variant significance. c.1172A>G has been reported in the presumed compound heterozygous state in the literature in at least 1 individual affected with Mucopolysaccharidosis Type IIIB (Sanfilippo Syndrome B) (example, Meijer_2016, Valstar_2010). These data do not allow any conclusion about variant significance. To our knowledge, no experimental evidence demonstrating an impact on protein function has been reported. The following publications have been ascertained in the context of this evaluation (PMID: 26907177, 20852935). ClinVar contains an entry for this variant (Variation ID: 2925621). Based on the evidence outlined above, the variant was classified as uncertain significance.

Labcorp Genetics (formerly Invitae), Labcorp
Classification: Likely pathogenic for Charcot-Marie-Tooth disease axonal type 2V; Mucopolysaccharidosis, MPS-III-B. Last evaluated: 2024-05-07. Review status: criteria provided, single submitter. Criteria: Invitae Variant Classification Sherloc (09022015). Collection method: clinical testing. Allele origin: germline.
Comment: This sequence change replaces tyrosine, which is neutral and polar, with cysteine, which is neutral and slightly polar, at codon 391 of the NAGLU protein (p.Tyr391Cys). This variant is not present in population databases (gnomAD no frequency). This missense change has been observed in individual(s) with mucopolysaccharidosis IIIB (PMID: 20852935, 26907177). Advanced modeling of protein sequence and biophysical properties (such as structural, functional, and spatial information, amino acid conservation, physicochemical variation, residue mobility, and thermodynamic stability) performed at Invitae indicates that this missense variant is expected to disrupt NAGLU protein function with a positive predictive value of 95%. In summary, the currently available evidence indicates that the variant is pathogenic, but additional data are needed to prove that conclusively. Therefore, this variant has been classified as Likely Pathogenic.

Literature cited by the submitters: PubMed 20852935 (cited by Women's Health and Genetics/Laboratory Corporation of America, LabCorp and Labcorp Genetics (formerly Invitae), Labcorp); PubMed 26907177 (cited by Women's Health and Genetics/Laboratory Corporation of America, LabCorp and Labcorp Genetics (formerly Invitae), Labcorp).